The following is an entry in ClinVar:

NM_020971.3(SPTBN4):c.4093C>T (p.Arg1365Trp)

Gene: SPTBN4 (spectrin beta, non-erythrocytic 4; plus strand). Cytogenetic location: 19q13.2.
Variant type: single nucleotide variant.
Coding change: c.4093C>T on transcript NM_020971.3 (MANE Select); coding-DNA position 4093, C replaced by T.
Protein change: p.Arg1365Trp; replaces arginine 1365 with tryptophan.
Molecular consequence: missense variant.
Genome position (GRCh38, 1-based): chr19:40,532,769, C>T. VCF-style: chr19-40532769-C-T. GRCh37 (hg19) VCF-style: chr19-41038676-C-T.
Other names: NC_000019.9:g.41038676C>T; c.121C>T, p.Arg41Trp (NM_025213.3); short protein forms R1365W, R41W.
Identifiers: ClinVar variation 1312528 (VCV001312528.4), dbSNP rs143836762, ClinGen allele CA9446170.

ClinVar aggregate classification (germline): Uncertain significance. Review status: criteria provided, multiple submitters, no conflicts (2 of 4 stars). 2 submissions from 2 submitters: Uncertain significance (2). Last evaluated 2026-06-12.

Conditions:
Inborn genetic diseases. Identifiers: MedGen C0950123, MeSH D030342.

Allele frequency attached by ClinVar (database versions not stated): TOPMed 0.00024; gnomAD 0.00027 and 0.00029; ESP Exome Variant Server 0.00046.
gnomAD v4.1: 162 of 1,608,766 alleles (0.01%); highest among the groups gnomAD compares: African/African-American, 0.066%; no homozygotes.

Submissions (3):

Ambry Genetics
Classification: Uncertain significance for Inborn genetic diseases. Last evaluated: 2026-06-12. Review status: criteria provided, single submitter. Criteria: Ambry Variant Classification Scheme 2023. Collection method: clinical testing. Allele origin: germline.
Comment: The c.4093C>T (p.R1365W) alteration is located in exon 19 (coding exon 18) of the SPTBN4 gene. This alteration results from a C to T substitution at nucleotide position 4093, causing the arginine (R) at amino acid position 1365 to be replaced by a tryptophan (W). Based on data from gnomAD, the T allele has an overall frequency of 0.016% (43/276896) total alleles studied. The highest observed frequency was 0.061% (15/24662) of African alleles. Based on insufficient or conflicting evidence, the clinical significance of this alteration remains unclear.

GeneDx
Classification: Uncertain significance. Last evaluated: 2020-02-19. Review status: criteria provided, single submitter. Criteria: GeneDx Variant Classification Process June 2021. Collection method: clinical testing. Allele origin: germline. Affected: yes.
Comment: In silico analysis supports that this missense variant has a deleterious effect on protein structure/function; Has not been previously published as pathogenic or benign to our knowledge

Dr. Peter K. Rogan Lab, Western University
No classification provided (evidence only). Condition: Gastric cancer. Review status: no classification provided. Collection method: in vitro. Allele origin: not applicable. Functional consequence: retained intron. Not counted in ClinVar's aggregate classification.